The following is an entry in ClinVar:

NM_020461.4(TUBGCP6):c.4165_4166del (p.Gln1389fs)

Gene: TUBGCP6 (tubulin gamma complex component 6; minus strand). Cytogenetic location: 22q13.33.
Variant type: Microsatellite.
Coding change: c.4165_4166del on transcript NM_020461.4 (MANE Select); coding-DNA positions 4165 to 4166, 2 bases deleted (CA; older notation c.4165_4166delCA).
Protein change: p.Gln1389fs; shifts the reading frame from glutamine 1389.
Molecular consequence: frameshift variant.
Genome position (GRCh38, 1-based): chr22:50,219,958-50,219,959, TG deleted on the plus strand (CA on the coding strand, the reverse complement: TUBGCP6 is on the minus strand); deleting any 2 consecutive bases within chr22:50,219,958-50,219,961 gives the same sequence; the c. name uses the placement nearest the transcript's 3' end. VCF-style (leftmost placement, unchanged base first): chr22-50219957-CTG-C. GRCh37 (hg19) VCF-style: chr22-50658386-CTG-C.
Other names: c.4165_4166del (NM_020461.3); short protein forms Q1389fs.
Identifiers: ClinVar variation 1452125 (VCV001452125.9), dbSNP rs752869602, ClinGen allele CA10307662.

ClinVar aggregate classification (germline): Pathogenic/Likely pathogenic. Review status: criteria provided, multiple submitters, no conflicts (2 of 4 stars). 4 submissions from 4 submitters: Pathogenic (3); Likely pathogenic (1). Last evaluated 2025-03-17.

Conditions:
TUBGCP6-related disorder. Also called: TUBGCP6-related condition.
Microcephaly and chorioretinopathy 1. Also called: Microcephaly and chorioretinopathy, autosomal recessive, 1. Identifiers: MedGen C3278481, MONDO:0009624, OMIM 251270.

Submissions (4):

Labcorp Genetics (formerly Invitae), Labcorp
Classification: Pathogenic. Last evaluated: 2025-03-17. Review status: criteria provided, single submitter. Criteria: Invitae Variant Classification Sherloc (09022015). Collection method: clinical testing. Allele origin: germline.
Comment: This sequence change creates a premature translational stop signal (p.Gln1389Glyfs*13) in the TUBGCP6 gene. It is expected to result in an absent or disrupted protein product. Loss-of-function variants in TUBGCP6 are known to be pathogenic (PMID: 25344692). This variant is present in population databases (rs752869602, gnomAD 0.007%). This variant has not been reported in the literature in individuals affected with TUBGCP6-related conditions. For these reasons, this variant has been classified as Pathogenic.

GeneDx
Classification: Pathogenic. Last evaluated: 2025-01-15. Review status: criteria provided, single submitter. Criteria: GeneDx Variant Classification Process June 2021. Collection method: clinical testing. Allele origin: germline. Affected: yes.
Comment: Frameshift variant predicted to result in protein truncation or nonsense mediated decay in a gene for which loss of function is a known mechanism of disease; Not observed at significant frequency in large population cohorts (gnomAD); Has not been previously published as pathogenic or benign in association with a TUBGCP6-related disorder to our knowledge; This variant is associated with the following publications: (PMID: 31964843, 25344692)

Daryl Scott Lab, Baylor College of Medicine
Classification: Pathogenic for Microcephaly and chorioretinopathy 1. Last evaluated: 2024-04-01. Review status: criteria provided, single submitter. Criteria: ACMG Guidelines, 2015. Collection method: clinical testing. Allele origin: paternal. Affected: yes. Observed: 1 compound heterozygote.
Comment: PVS1, PM2, PM3, PP1

Blueprint Genetics
Classification: Likely pathogenic for TUBGCP6-related disorders. Last evaluated: 2022-07-25. Review status: criteria provided, single submitter. Criteria: ACMG Guidelines, 2015. Collection method: clinical testing. Allele origin: germline. Affected: yes. Observed: 5 variant alleles.

Literature cited by the submitters: PubMed 25344692 (cited by Labcorp Genetics (formerly Invitae), Labcorp).